The following is an entry in ClinVar:

NM_000535.7(PMS2):c.84del (p.Gln30fs)

Gene: PMS2 (PMS1 homolog 2, mismatch repair system component; minus strand). Cytogenetic location: 7p22.1.
Variant type: Deletion.
Coding change: c.84del on transcript NM_000535.7 (MANE Select); coding-DNA position 84, one base deleted (T; older notation c.84delT).
Protein change: p.Gln30fs; shifts the reading frame from glutamine 30.
Molecular consequence: frameshift variant. On other transcripts: 5 prime UTR variant (8), non-coding transcript variant (1), intron variant (3).
Genome position (GRCh38, 1-based): chr7:6,005,971, A deleted on the plus strand (T on the coding strand, the reverse complement: PMS2 is on the minus strand). VCF-style (leftmost placement, unchanged base first): chr7-6005970-CA-C. GRCh37 (hg19) VCF-style: chr7-6045601-CA-C.
Other names: c.-322delT (NM_001018040.1, NM_001406887.1, NM_001406891.1 and 7 more transcripts); c.-322del (NM_001322003.2, NM_001322005.2, NM_001322009.2 and 1 more transcripts); c.84del, p.Gln30fs (NM_001322006.2, NM_001322014.2); c.-132del (NM_001322007.2); c.-801del (NM_001322011.2, NM_001322012.2); c.-401del (NM_001322015.2); c.270delT, p.Gln92Argfs (NM_001406866.1); c.84delT, p.Gln30Argfs (NM_001406868.1, NM_001406869.1, NM_001406870.1 and 8 more transcripts); and 8 more; short protein forms Q30fs.
Identifiers: ClinVar variation 1763641 (VCV001763641.2), dbSNP rs750777196, ClinGen allele CA051994.

ClinVar aggregate classification (germline): Pathogenic (1 of 4 stars; one submission).

Conditions:
Hereditary cancer-predisposing syndrome. Also called: Neoplastic Syndromes, Hereditary; Tumor predisposition; Hereditary Cancer Syndrome; Hereditary neoplastic syndrome. Identifiers: Orphanet 140162, MedGen C0027672, MeSH D009386, MONDO:0015356.

Allele frequency attached by ClinVar (database versions not stated): ExAC 0.00001.

Submission:

Ambry Genetics
Classification: Pathogenic for Hereditary cancer-predisposing syndrome. Last evaluated: 2018-11-26. Review status: criteria provided, single submitter. Criteria: Ambry Variant Classification Scheme 2023. Collection method: clinical testing. Allele origin: germline.
Comment: The c.84delT pathogenic mutation, located in coding exon 2 of the PMS2 gene, results from a deletion of one nucleotide at nucleotide position 84, causing a translational frameshift with a predicted alternate stop codon (p.Q30Rfs*4). This alteration is expected to result in loss of function by premature protein truncation or nonsense-mediated mRNA decay. As such, this alteration is interpreted as a disease-causing mutation.